The following is an entry in ClinVar:

ClinVar aggregate classification (germline): Likely benign (1 of 4 stars; one submission).

Submission:

CeGaT Center for Human Genetics Tuebingen
Classification: Likely benign. Last evaluated: 2026-09-01. Review status: criteria provided, single submitter. Criteria: CeGaT Center For Human Genetics Tuebingen Variant Classification Criteria Version 2. Collection method: clinical testing. Allele origin: germline. Affected: yes. Observed: 7 variant alleles.
Comment: ACADM: BP4, BP7, BS2

NM_000016.6(ACADM):c.945+301C>T

Gene: ACADM (acyl-CoA dehydrogenase medium chain; plus strand). Cytogenetic location: 1p31.1.
Variant type: single nucleotide variant.
Coding change: c.945+301C>T on transcript NM_000016.6 (MANE Select); 301 bases into the intron after coding-DNA position 945, C replaced by T.
Molecular consequence: intron variant.
Genome position (GRCh38, 1-based): chr1:75,750,847, C>T. VCF-style: chr1-75750847-C-T. GRCh37 (hg19) VCF-style: chr1-76216532-C-T.
Other names: c.957+301C>T (NM_001127328.3); c.1044+301C>T (NM_001286043.2); c.837+301C>T (NM_001286042.2); c.378+301C>T (NM_001286044.2).
Identifiers: ClinVar variation 3388068 (VCV003388068.14).
Genomic context (GRCh38, chr1:75,750,847, plus strand): 5'-TGCTCAGGCTAGAGTGCAGTGGCACAATCTCGGTTCACCACAGTCTCCGCCTCCCGAGTT[C>T]GAGTAATTCTCCTGCCTCAGCCTCCCAAGTAGTGGGAACTACAGGTGCGCACCACTATGC-3'